The following is an entry in ClinVar:

ClinVar aggregate classification (germline): Uncertain significance (1 of 4 stars; one submission).

gnomAD v4.1: 3 of 1,613,998 alleles (0.00019%); highest among the groups gnomAD compares: Non-Finnish European, 0.00017%; no homozygotes.

Submission:

GeneDx
Classification: Uncertain significance. Last evaluated: 2022-08-29. Review status: criteria provided, single submitter. Criteria: GeneDx Variant Classification Process June 2021. Collection method: clinical testing. Allele origin: germline. Affected: yes.
Comment: Not observed at significant frequency in large population cohorts (gnomAD); In silico analysis supports that this missense variant does not alter protein structure/function; Has not been previously published as pathogenic or benign to our knowledge

NM_000748.3(CHRNB2):c.658A>G (p.Thr220Ala)

Gene: CHRNB2 (cholinergic receptor nicotinic beta 2 subunit; plus strand). Cytogenetic location: 1q21.3.
Variant type: single nucleotide variant.
Coding change: c.658A>G on transcript NM_000748.3 (MANE Select); coding-DNA position 658, A replaced by G.
Protein change: p.Thr220Ala; replaces threonine 220 with alanine.
Molecular consequence: missense variant.
Genome position (GRCh38, 1-based): chr1:154,571,481, A>G. VCF-style: chr1-154571481-A-G. GRCh37 (hg19) VCF-style: chr1-154543957-A-G.
Other names: short protein forms T220A.
Identifiers: ClinVar variation 2442463 (VCV002442463.1), dbSNP rs374183227, ClinGen allele CA342630562.